The following is an entry in ClinVar:

NM_001253697.2(ERBIN):c.2380A>G (p.Ser794Gly)

Gene: ERBIN (erbb2 interacting protein; plus strand). Cytogenetic location: 5q12.3.
Variant type: single nucleotide variant.
Coding change: c.2380A>G on transcript NM_001253697.2 (MANE Select); coding-DNA position 2380, A replaced by G.
Protein change: p.Ser794Gly; replaces serine 794 with glycine.
Molecular consequence: missense variant.
Genome position (GRCh38, 1-based): chr5:66,053,698, A>G. VCF-style: chr5-66053698-A-G. GRCh37 (hg19) VCF-style: chr5-65349526-A-G.
Other names: c.2380A>G, p.Ser794Gly (NM_001006600.3, NM_001253698.2, NM_001253699.2 and 1 more transcripts); c.2368A>G, p.Ser790Gly (NM_001253701.2); short protein forms S790G, S794G.
Identifiers: ClinVar variation 3714343 (VCV003714343.2).

ClinVar aggregate classification (germline): Uncertain significance (1 of 4 stars; one submission).

gnomAD v4.1: 21 of 1,613,808 alleles (0.0013%); highest among the groups gnomAD compares: East Asian, 0.0022%; no homozygotes.

Submission:

Labcorp Genetics (formerly Invitae), Labcorp
Classification: Uncertain significance. Last evaluated: 2024-10-30. Review status: criteria provided, single submitter. Criteria: Invitae Variant Classification Sherloc (09022015). Collection method: clinical testing. Allele origin: germline.
Comment: This sequence change replaces serine, which is neutral and polar, with glycine, which is neutral and non-polar, at codon 794 of the ERBIN protein (p.Ser794Gly). This variant is present in population databases (no rsID available, gnomAD 0.0009%). This variant has not been reported in the literature in individuals affected with ERBIN-related conditions. An algorithm developed to predict the effect of missense changes on protein structure and function outputs the following: PolyPhen-2: "Benign". The glycine amino acid residue is found in multiple mammalian species, which suggests that this missense change does not adversely affect protein function. In summary, the available evidence is currently insufficient to determine the role of this variant in disease. Therefore, it has been classified as a Variant of Uncertain Significance.